The following is an entry in ClinVar:

ClinVar aggregate classification (germline): Likely benign (1 of 4 stars; one submission).

gnomAD v4.1: 29 of 1,607,138 alleles (0.0018%); highest among the groups gnomAD compares: Admixed American, 0.015%; no homozygotes.

Submission:

CeGaT Center for Human Genetics Tuebingen
Classification: Likely benign. Last evaluated: 2026-07-01. Review status: criteria provided, single submitter. Criteria: CeGaT Center For Human Genetics Tuebingen Variant Classification Criteria Version 2. Collection method: clinical testing. Allele origin: germline. Affected: yes. Observed: 1 variant allele.
Comment: VAMP2: BP4, BP7

NM_014232.3(VAMP2):c.24C>A (p.Ala8=)

Genes: VAMP2 (vesicle associated membrane protein 2; minus strand), LOC130060218 (ATAC-STARR-seq lymphoblastoid silent region 8166; plus strand). Cytogenetic location: 17p13.1.
Variant type: single nucleotide variant.
Coding change: c.24C>A on transcript NM_014232.3 (MANE Select); coding-DNA position 24, C replaced by A.
Protein change: p.Ala8=; no amino-acid change (alanine 8 retained).
Molecular consequence: synonymous variant.
Genome position (GRCh38, 1-based): chr17:8,162,348, G>T on the plus strand (C>A on the coding strand, the complement: VAMP2 is on the minus strand). VCF-style: chr17-8162348-G-T. GRCh37 (hg19) VCF-style: chr17-8065666-G-T.
Other names: c.30C>A, p.Ala10= (NM_001330125.1).
Identifiers: ClinVar variation 4872924 (VCV004872924.2).